The following is an entry in ClinVar:

NM_000053.4(ATP7B):c.1397_1403del (p.Leu466fs)

Gene: ATP7B (ATPase copper transporting beta; minus strand). Cytogenetic location: 13q14.3.
Variant type: Deletion.
Coding change: c.1397_1403del on transcript NM_000053.4 (MANE Select); coding-DNA positions 1397 to 1403, 7 bases deleted (TCCCTGC; older notation c.1397_1403delTCCCTGC).
Protein change: p.Leu466fs; shifts the reading frame from leucine 466.
Molecular consequence: frameshift variant.
Genome position (GRCh38, 1-based): chr13:51,970,632-51,970,638, GCAGGGA deleted on the plus strand (TCCCTGC on the coding strand, the reverse complement: ATP7B is on the minus strand); deleting any 7 consecutive bases within chr13:51,970,632-51,970,640 gives the same sequence; the c. name uses the placement nearest the transcript's 3' end. VCF-style (leftmost placement, unchanged base first): chr13-51970631-TGCAGGGA-T. GRCh37 (hg19) VCF-style: chr13-52544767-TGCAGGGA-T.
Other names: c.1397_1403del, p.Leu466fs (NM_001005918.3, NM_001330578.2, NM_001330579.2); c.1064_1070del, p.Leu355fs (NM_001243182.2); c.1395_1401delGCTCCCT, p.Leu466Glnfs (NM_001406511.1, NM_001406512.1, NM_001406513.1 and 25 more transcripts); c.1299_1305delGCTCCCT, p.Leu434Glnfs (NM_001406517.1, NM_001406518.1, NM_001406530.1 and 3 more transcripts); c.966_972delGCTCCCT, p.Leu323Glnfs (NM_001406539.1); short protein forms L355fs, L466fs.
Identifiers: ClinVar variation 1724382 (VCV001724382.2), dbSNP rs2547794264, ClinGen allele CA2580087658.
Genomic context (GRCh38, chr13:51,970,631, plus strand): 5'-CTGCGGTGCCACTGCTCTGGTTGATTGTGGGGACTTTGCCAAGATGTCCGGGGCATGGTT[TGCAGGGA>T]GCCTCCCAGTGTGGGGAGCCACTTCCTGCACAGATGTAGGTGTACCATCTGTAGTTTGCA-3'

ClinVar aggregate classification (germline): Likely pathogenic (1 of 4 stars; one submission).

Conditions:
Wilson disease (WND). Also called: Wilson's disease. Identifiers: Orphanet 905, MedGen C0019202, MONDO:0010200, OMIM 277900. Disease mechanism: loss of function.

Submission:

Myriad Genetics, Inc.
Classification: Likely pathogenic for Wilson disease. Last evaluated: 2022-02-12. Review status: criteria provided, single submitter. Criteria: Myriad Women's Health Autosomal Recessive and X-Linked Classification Criteria (2021). Collection method: clinical testing. Allele origin: unknown.
Comment: NM_000053.3(ATP7B):c.1397_1403del7(L466Qfs*30) is expected to be pathogenic in the context of Wilson disease. This variant is predicted to lead to an abnormal or absent protein product due to the creation of a premature termination codon in ATP7B, a gene where loss-of-function variants are known to be pathogenic. Please note: this variant was assessed in the context of healthy population screening.